The following is an entry in ClinVar:

NM_001323289.2(CDKL5):c.2668C>T (p.Arg890Trp)

Gene: CDKL5 (cyclin dependent kinase like 5; plus strand). Cytogenetic location: Xp22.13.
Variant type: single nucleotide variant.
Coding change: c.2668C>T on transcript NM_001323289.2 (MANE Select); coding-DNA position 2668, C replaced by T.
Protein change: p.Arg890Trp; replaces arginine 890 with tryptophan.
Molecular consequence: missense variant.
Genome position (GRCh38, 1-based): chrX:18,628,542, C>T. VCF-style: chrX-18628542-C-T. GRCh37 (hg19) VCF-style: chrX-18646662-C-T.
Other names: c.2668C>T, p.Arg890Trp (NM_001037343.2, NM_003159.3); short protein forms R890W.
Identifiers: ClinVar variation 3748474 (VCV003748474.2).
Genomic context (GRCh38, chrX:18,628,542, plus strand): 5'-TCCTTCTCAGAAATTCGGATTCACCCCCTGAGCCAGGCCTCTGGCGGGAGCAGCAACATC[C>T]GGCAGGAACCCGCACCGAAGGGCAGGCCAGCCCTCCAGCTGCCAGGTCAGATGGATCCTG-3'
Protein context (NP_001310218.1, residues 880-900): SQASGGSSNI[Arg890Trp]QEPAPKGRPA

ClinVar aggregate classification (germline): Uncertain significance (1 of 4 stars; one submission).

Conditions:
Developmental and epileptic encephalopathy, 2 (DEE2). Also called: CDKL5 deficiency disorder; INFANTILE SPASM SYNDROME, X-LINKED 2. Identifiers: Orphanet 1934, Orphanet 3451, Orphanet 505652, MedGen C4750718, MONDO:0010396, OMIM 300672.
Angelman syndrome-like. Identifiers: MedGen CN128785.

gnomAD v4.1: 12 of 1,210,298 alleles (0.00099%); highest among the groups gnomAD compares: Admixed American, 0.0044%; no homozygotes.

Submission:

Labcorp Genetics (formerly Invitae), Labcorp
Classification: Uncertain significance for Developmental and epileptic encephalopathy, 2; Angelman syndrome-like. Last evaluated: 2024-02-15. Review status: criteria provided, single submitter. Criteria: Invitae Variant Classification Sherloc (09022015). Collection method: clinical testing. Allele origin: germline.
Comment: This sequence change replaces arginine, which is basic and polar, with tryptophan, which is neutral and slightly polar, at codon 890 of the CDKL5 protein (p.Arg890Trp). This variant is present in population databases (no rsID available, gnomAD 0.001%). This variant has not been reported in the literature in individuals affected with CDKL5-related conditions. Advanced modeling of protein sequence and biophysical properties (such as structural, functional, and spatial information, amino acid conservation, physicochemical variation, residue mobility, and thermodynamic stability) performed at Invitae indicates that this missense variant is not expected to disrupt CDKL5 protein function with a negative predictive value of 95%. In summary, the available evidence is currently insufficient to determine the role of this variant in disease. Therefore, it has been classified as a Variant of Uncertain Significance.